The following is an entry in ClinVar:

ClinVar aggregate classification (germline): Uncertain significance (1 of 4 stars; one submission).

Conditions:
Inborn genetic diseases. Identifiers: MedGen C0950123, MeSH D030342.

Submission:

Ambry Genetics
Classification: Uncertain significance for Inborn genetic diseases. Last evaluated: 2024-03-27. Review status: criteria provided, single submitter. Criteria: Ambry Variant Classification Scheme 2023. Collection method: clinical testing. Allele origin: germline.
Comment: The p.V112M variant (also known as c.334G>A), located in coding exon 2 of the LTBP3 gene, results from a G to A substitution at nucleotide position 334. The valine at codon 112 is replaced by methionine, an amino acid with highly similar properties. This amino acid position is conserved. In addition, the in silico prediction for this alteration is inconclusive. Based on the available evidence, the clinical significance of this alteration remains unclear.

NM_001130144.3(LTBP3):c.334G>A (p.Val112Met)

Gene: LTBP3 (latent transforming growth factor beta binding protein 3; minus strand). Cytogenetic location: 11q13.1.
Variant type: single nucleotide variant.
Coding change: c.334G>A on transcript NM_001130144.3 (MANE Select); coding-DNA position 334, G replaced by A.
Protein change: p.Val112Met; replaces valine 112 with methionine.
Molecular consequence: missense variant. On other transcripts: 5 prime UTR variant (1).
Genome position (GRCh38, 1-based): chr11:65,554,378, C>T on the plus strand (G>A on the coding strand, the complement: LTBP3 is on the minus strand). VCF-style: chr11-65554378-C-T. GRCh37 (hg19) VCF-style: chr11-65321849-C-T.
Other names: c.-18G>A (NM_001164266.1); c.334G>A, p.Val112Met (NM_021070.4); short protein forms V112M.
Identifiers: ClinVar variation 3292240 (VCV003292240.1).
Genomic context (GRCh38, chr11:65,554,378, plus strand): 5'-GACACAGGCACTGGTTTCGCGAGGAGCACTGGCCGCCATTCATGCAGGGGAGAGGGCACA[C>T]CACTGGGGAGAAGAGTGGGGTCAGGCCCTCACCCACATCCTGTCTCTTTCCCCTCCTCCC-3'
Protein context (NP_001123616.1, residues 102-122): TLTGSGFRVV[Val112Met]CPLPCMNGGQ